The following is an entry in ClinVar:

ClinVar aggregate classification (germline): Pathogenic (1 of 4 stars; one submission).

Conditions:
Nemaline myopathy 2 (NEM2). Also called: Nemaline myopathy 2, autosomal recessive. Identifiers: MedGen C1850569, MONDO:0009725, OMIM 256030.

Submission:

Myriad Genetics, Inc.
Classification: Pathogenic for Nemaline myopathy 2. Last evaluated: 2026-02-04. Review status: criteria provided, single submitter. Criteria: Myriad Autosomal Dominant, Autosomal Recessive and X-Linked Classification Criteria (2023). Collection method: clinical testing. Allele origin: unknown.
Comment: NM_001271208.1(NEB):c.21129G>A(W7043*) is expected to be pathogenic in the context of NEB-related nemaline myopathy. This variant is predicted to lead to an abnormal or absent protein product due to the creation of a premature termination codon in NEB, a gene where loss-of-function variants are known to be pathogenic. Please note: this variant was assessed in the context of healthy population screening.

NM_001164508.2(NEB):c.21129G>A (p.Trp7043Ter)

Gene: NEB (nebulin; minus strand). Cytogenetic location: 2q23.3.
Variant type: single nucleotide variant.
Coding change: c.21129G>A on transcript NM_001164508.2 (MANE Select); coding-DNA position 21129, G replaced by A.
Protein change: p.Trp7043Ter; replaces tryptophan 7043 with a stop codon.
Molecular consequence: nonsense.
Genome position (GRCh38, 1-based): chr2:151,537,210, C>T on the plus strand (G>A on the coding strand, the complement: NEB is on the minus strand). VCF-style: chr2-151537210-C-T. GRCh37 (hg19) VCF-style: chr2-152393724-C-T.
Other names: c.21129G>A, p.Trp7043Ter (NM_001164507.2, NM_001271208.2); c.16026G>A, p.Trp5342Ter (NM_004543.5); short protein forms W5342*, W7043*.
Identifiers: ClinVar variation 5015515 (VCV005015515.1).